The following is an entry in ClinVar:

ClinVar aggregate classification (germline): Uncertain significance (1 of 4 stars; one submission).

gnomAD v4.1: 1 of 1,611,868 alleles (0.000062%); highest among the groups gnomAD compares: East Asian, 0.0022%; no homozygotes.

Submission:

CeGaT Center for Human Genetics Tuebingen
Classification: Uncertain significance. Last evaluated: 2026-07-01. Review status: criteria provided, single submitter. Criteria: CeGaT Center For Human Genetics Tuebingen Variant Classification Criteria Version 2. Collection method: clinical testing. Allele origin: germline. Affected: yes. Observed: 1 variant allele.
Comment: NOTCH3: PM2:Supporting, PP3

NM_000435.3(NOTCH3):c.3777C>T (p.Gly1259=)

Gene: NOTCH3 (notch receptor 3; minus strand). Cytogenetic location: 19p13.12.
Variant type: single nucleotide variant.
Coding change: c.3777C>T on transcript NM_000435.3 (MANE Select); coding-DNA position 3777, C replaced by T.
Protein change: p.Gly1259=; no amino-acid change (glycine 1259 retained).
Molecular consequence: synonymous variant.
Genome position (GRCh38, 1-based): chr19:15,178,883, G>A on the plus strand (C>T on the coding strand, the complement: NOTCH3 is on the minus strand). VCF-style: chr19-15178883-G-A. GRCh37 (hg19) VCF-style: chr19-15289694-G-A.
Identifiers: ClinVar variation 5039238 (VCV005039238.1).